The following is an entry in ClinVar:

NM_001370259.2(MEN1):c.1703C>G (p.Thr568Ser)

Gene: MEN1 (menin 1; minus strand). Cytogenetic location: 11q13.1.
Variant type: single nucleotide variant.
Coding change: c.1703C>G on transcript NM_001370259.2 (MANE Select); coding-DNA position 1703, C replaced by G.
Protein change: p.Thr568Ser; replaces threonine 568 with serine.
Molecular consequence: missense variant.
Genome position (GRCh38, 1-based): chr11:64,804,464, G>C on the plus strand (C>G on the coding strand, the complement: MEN1 is on the minus strand). VCF-style: chr11-64804464-G-C. GRCh37 (hg19) VCF-style: chr11-64571936-G-C.
Other names: c.1703C>G (NM_130799.2); c.1718C>G, p.Thr573Ser (NM_000244.4, NM_130800.3, NM_130801.3 and 3 more transcripts); c.1829C>G, p.Thr610Ser (NM_001370251.2); c.1703C>G, p.Thr568Ser (NM_001370260.2, NM_001370261.2, NM_130799.3); c.1598C>G, p.Thr533Ser (NM_001370262.2, NM_001370263.2); short protein forms T533S, T573S, T610S, T568S.
Identifiers: ClinVar variation 1039168 (VCV001039168.9), dbSNP rs751839903, ClinGen allele CA381177630.

ClinVar aggregate classification (germline): Uncertain significance. Review status: criteria provided, multiple submitters, no conflicts (2 of 4 stars). 2 submissions from 2 submitters: Uncertain significance (2). Last evaluated 2024-07-26.

Conditions:
Multiple endocrine neoplasia, type 1 (MEN1). Also called: MEA I; MEN I; WERMER SYNDROME; Endocrine adenomatosis multiple; MEN 1. Identifiers: Orphanet 652, MedGen C0025267, MeSH D018761, MONDO:0007540, OMIM 131100.
Hereditary cancer-predisposing syndrome. Also called: Neoplastic Syndromes, Hereditary; Hereditary Cancer Syndrome; Tumor predisposition; Hereditary neoplastic syndrome. Identifiers: Orphanet 140162, MedGen C0027672, MeSH D009386, MONDO:0015356.

gnomAD v4.1: 1 of 1,614,170 alleles (0.000062%); highest among the groups gnomAD compares: Non-Finnish European, 0.000085%; no homozygotes.

Submissions (2):

Ambry Genetics
Classification: Uncertain significance for Hereditary cancer-predisposing syndrome. Last evaluated: 2024-07-26. Review status: criteria provided, single submitter. Criteria: Ambry Variant Classification Scheme 2023. Collection method: clinical testing. Allele origin: germline.
Comment: The p.T568S variant (also known as c.1703C>G), located in coding exon 9 of the MEN1 gene, results from a C to G substitution at nucleotide position 1703. The threonine at codon 568 is replaced by serine, an amino acid with similar properties. This amino acid position is conserved. In addition, the in silico prediction for this alteration is inconclusive. Based on the available evidence, the clinical significance of this variant remains unclear.

Labcorp Genetics (formerly Invitae), Labcorp
Classification: Uncertain significance for Multiple endocrine neoplasia, type 1. Last evaluated: 2021-05-10. Review status: criteria provided, single submitter. Criteria: Invitae Variant Classification Sherloc (09022015). Collection method: clinical testing. Allele origin: germline.
Comment: This sequence change replaces threonine with serine at codon 568 of the MEN1 protein (p.Thr568Ser). The threonine residue is moderately conserved and there is a small physicochemical difference between threonine and serine. This variant is not present in population databases (ExAC no frequency). This variant has not been reported in the literature in individuals with MEN1-related conditions. Algorithms developed to predict the effect of missense changes on protein structure and function (SIFT, PolyPhen-2, Align-GVGD) all suggest that this variant is likely to be tolerated, but these predictions have not been confirmed by published functional studies and their clinical significance is uncertain. In summary, the available evidence is currently insufficient to determine the role of this variant in disease. Therefore, it has been classified as a Variant of Uncertain Significance.